The following is an entry in ClinVar:

NM_144572.2(TBC1D2B):c.2016G>A (p.Trp672Ter)

Gene: TBC1D2B (TBC1 domain family member 2B; minus strand). Cytogenetic location: 15q25.1.
Variant type: single nucleotide variant.
Coding change: c.2016G>A on transcript NM_144572.2 (MANE Select); coding-DNA position 2016, G replaced by A.
Protein change: p.Trp672Ter; replaces tryptophan 672 with a stop codon.
Molecular consequence: nonsense.
Genome position (GRCh38, 1-based): chr15:78,013,077, C>T on the plus strand (G>A on the coding strand, the complement: TBC1D2B is on the minus strand). VCF-style: chr15-78013077-C-T. GRCh37 (hg19) VCF-style: chr15-78305419-C-T.
Other names: c.2016G>A, p.Trp672Ter (NM_001387142.1, NM_001387144.1, NM_015079.6); c.2013G>A, p.Trp671Ter (NM_001387143.1); c.1680G>A, p.Trp560Ter (NM_001387145.1, NM_001387146.1, NM_001387147.1 and 1 more transcripts); c.1566G>A, p.Trp522Ter (NM_001387149.1); short protein forms W522*, W560*, W671*, W672*.
Identifiers: ClinVar variation 2633315 (VCV002633315.1), dbSNP rs149524007, ClinGen allele CA7679316.

ClinVar aggregate classification (germline): Likely pathogenic (1 of 4 stars; one submission).

Conditions:
TBC1D2B-related disorder. Also called: TBC1D2B-related condition.

Allele frequency attached by ClinVar (database versions not stated): gnomAD exomes below 0.00001; ExAC 0.00001; ESP Exome Variant Server 0.00008.
gnomAD v4.1: 1 of 1,614,018 alleles (0.000062%); highest among the groups gnomAD compares: Non-Finnish European, 0.000085%; no homozygotes.

Submission:

PreventionGenetics, part of Exact Sciences
Classification: Likely pathogenic for TBC1D2B-related condition. Last evaluated: 2023-05-30. Review status: criteria provided, single submitter. Criteria: ACMG Guidelines, 2015. Collection method: clinical testing. Allele origin: germline.
Comment: The TBC1D2B c.2016G>A variant is predicted to result in premature protein termination (p.Trp672*). To our knowledge, this variant has not been reported in the literature or in a large population database, indicating this variant is rare. Nonsense variants in TBC1D2B are expected to be pathogenic. This variant is interpreted as likely pathogenic.